The following is an entry in ClinVar:

NM_001854.4(COL11A1):c.898-216G>A

Gene: COL11A1 (collagen type XI alpha 1 chain; minus strand). Cytogenetic location: 1p21.1.
Variant type: single nucleotide variant.
Coding change: c.898-216G>A on transcript NM_001854.4 (MANE Select); 216 bases into the intron before coding-DNA position 898, G replaced by A.
Molecular consequence: intron variant. On other transcripts: missense variant (1).
Genome position (GRCh38, 1-based): chr1:103,025,829, C>T on the plus strand (G>A on the coding strand, the complement: COL11A1 is on the minus strand). VCF-style: chr1-103025829-C-T. GRCh37 (hg19) VCF-style: chr1-103491385-C-T.
Other names: c.904G>A, p.Ala302Thr (NM_080629.3); c.781-216G>A (NM_001190709.2); c.897+387G>A (NM_080630.4); c.904G>A (NM_080629.2); short protein forms A302T.
Identifiers: ClinVar variation 1802058 (VCV001802058.3), dbSNP rs924830900, ClinGen allele CA27712731.

ClinVar aggregate classification (germline): Uncertain significance. Review status: criteria provided, single submitter (1 of 4 stars). 2 submissions from 2 submitters: Uncertain significance (1). 1 of the submissions does not count toward it. Last evaluated 2022-06-01.

Conditions:
COL11A1-related disorder. Also called: COL11A1-related condition; COL11A1-related disorders.

Allele frequency attached by ClinVar (database versions not stated): gnomAD exomes below 0.00001; TOPMed below 0.00001.

Submissions (2):

GeneDx
Classification: Uncertain significance. Last evaluated: 2022-06-01. Review status: criteria provided, single submitter. Criteria: GeneDx Variant Classification Process June 2021. Collection method: clinical testing. Allele origin: germline. Affected: yes.
Comment: Has not been previously published as pathogenic or benign to our knowledge; Not observed at significant frequency in large population cohorts (gnomAD); In silico analysis supports that this missense variant does not alter protein structure/function

PreventionGenetics, part of Exact Sciences
Classification: Uncertain significance for COL11A1-related condition. Last evaluated: 2024-01-24. Review status: no assertion criteria provided. Collection method: clinical testing. Allele origin: germline. Not counted in ClinVar's aggregate classification.
Comment: The COL11A1 c.904G>A variant is predicted to result in the amino acid substitution p.Ala302Thr. To our knowledge, this variant has not been reported in the literature or in a large population database, indicating this variant is rare. At this time, the clinical significance of this variant is uncertain due to the absence of conclusive functional and genetic evidence.